The following is an entry in ClinVar:

NM_144999.4(LRRC45):c.336G>C (p.Gln112His)

Gene: LRRC45 (leucine rich repeat containing 45; plus strand). Cytogenetic location: 17q25.3.
Variant type: single nucleotide variant.
Coding change: c.336G>C on transcript NM_144999.4 (MANE Select); coding-DNA position 336, G replaced by C.
Protein change: p.Gln112His; replaces glutamine 112 with histidine.
Molecular consequence: missense variant.
Genome position (GRCh38, 1-based): chr17:82,024,746, G>C. VCF-style: chr17-82024746-G-C. GRCh37 (hg19) VCF-style: chr17-79982622-G-C.
Other names: short protein forms Q112H.
Identifiers: ClinVar variation 3351224 (VCV003351224.1).

ClinVar aggregate classification (germline): Likely benign (0 of 4 stars; one submission).

Conditions:
LRRC45-related disorder. Also called: LRRC45-related condition.

gnomAD v4.1: 662 of 1,579,766 alleles (0.042%); highest among the groups gnomAD compares: Middle Eastern, 0.52%; 12 homozygotes.

Submission:

PreventionGenetics, part of Exact Sciences
Classification: Likely benign for LRRC45-related condition. Last evaluated: 2024-08-07. Review status: no assertion criteria provided. Collection method: clinical testing. Allele origin: germline.
Comment: This variant is classified as likely benign based on ACMG/AMP sequence variant interpretation guidelines (Richards et al. 2015 PMID: 25741868, with internal and published modifications).